The following is an entry in ClinVar:

NM_000156.6(GAMT):c.575C>T (p.Thr192Met)

Gene: GAMT (guanidinoacetate N-methyltransferase; minus strand). Cytogenetic location: 19p13.3.
Variant type: single nucleotide variant.
Coding change: c.575C>T on transcript NM_000156.6 (MANE Select); coding-DNA position 575, C replaced by T.
Protein change: p.Thr192Met; replaces threonine 192 with methionine.
Molecular consequence: missense variant.
Genome position (GRCh38, 1-based): chr19:1,397,495, G>A on the plus strand (C>T on the coding strand, the complement: GAMT is on the minus strand). VCF-style: chr19-1397495-G-A. GRCh37 (hg19) VCF-style: chr19-1397494-G-A.
Other names: p.T192M:ACG>ATG; NM_000156.6(GAMT):c.575C>T; p.Thr192Met; short protein forms T192M.
Identifiers: ClinVar variation 205582 (VCV000205582.57), dbSNP rs141066224, ClinGen allele CA314808.
Genomic context (GRCh38, chr19:1,397,495, plus strand): 5'-ATCACCTCCGTACGGATGTTCTCCCTCCGGAAGCCGGCCTCCAGCAGCGCGGGCACCTGC[G>A]TCTCCTGGTCGGGGATGGCACCAGGTCACCTCTGAGGGCCATGGGGGTCACGTGCACCCT-3'
Protein context (NP_000147.1, residues 182-202): YSDITIMFEE[Thr192Met]QVPALLEAGF

ClinVar aggregate classification (germline): Uncertain significance. Review status: reviewed by expert panel (3 of 4 stars). 9 submissions from 9 submitters: Uncertain significance (1). 8 of the submissions do not count toward it. Last evaluated 2026-04-20.

Conditions:
Inborn genetic diseases. Identifiers: MedGen C0950123, MeSH D030342.
Cerebral creatine deficiency syndrome. Also called: Creatine deficiency syndromes. Identifiers: Orphanet 79172, MedGen C5244016, MONDO:0000456.
Deficiency of guanidinoacetate methyltransferase (CCDS2). Also called: GAMT DEFICIENCY; CEREBRAL CREATINE DEFICIENCY SYNDROME 2; Guanidinoacetate Methyltransferase (GAMT) Deficiency. Identifiers: Orphanet 382, MedGen C0574080, MONDO:0012999, OMIM 612736.

Allele frequency attached by ClinVar (database versions not stated): gnomAD exomes 0.00008 and 0.00015; ExAC 0.00013; gnomAD 0.00013; TOPMed 0.00015; 1000 Genomes Project 30x 0.00016; 1000 Genomes Project 0.00020; ESP Exome Variant Server 0.00031.
gnomAD v4.1: 133 of 1,603,472 alleles (0.0083%); highest among the groups gnomAD compares: African/African-American, 0.027%; no homozygotes.

Submissions (9):

ClinGen Cerebral Creatine Deficiency Syndromes Variant Curation Expert Panel, ClinGen
Classification: Uncertain significance for Deficiency of guanidinoacetate methyltransferase. Last evaluated: 2026-04-20. Review status: reviewed by expert panel. Criteria: ClinGen CCDS ACMG Specifications GAMT V2.0.0. Collection method: curation. Allele origin: germline. Inheritance: Autosomal recessive inheritance.
Comment: The NM_000156.6:c.575C>T variant in GAMT is a missense variant that is predicted to cause the substitution of a threonine by a methionine at amino acid position 192 (p.Thr192Met). To our knowledge, this variant has not been reported in the literature and results of functional studies are unavailable. The highest continental population minor allele frequency in gnomAD v4.1.0. is 0.0002665 (20/75058 alleles; no homozygotes) in the African/African American population, which is lower than the ClinGen CCDS VCEP’s threshold for PM2_Supporting (<0.0004), meeting this criterion (PM2_Supporting). Although the allele frequency in the Ashkenazi Jewish population in gnomAD v4.1.0. is higher at 0.002467 (73/29588 alleles; no homozygotes) (meeting BS1, >0.001) this frequency is not counted because it was found in a non-continental population (Ghosh et al, 2018, PMID: 30311383). The computational predictor REVEL gives a score of 0.677 which is above the threshold of 0.644, evidence that correlates with impact to GAMT function (PP3). There is a ClinVar entry for this variant (Variation ID: 205582). In summary, this variant meets the criteria to be classified as a variant of uncertain significance for GAMT deficiency. GAMT-specific ACMG/AMP codes met, as specified by the ClinGen Cerebral Creatine Deficiency Syndromes VCEP (Specifications Version 2.0.0): PM2_Supporting, PP3. (Classification approved by the ClinGen Creatine Deficiency Syndromes Variant Curation Expert Panel on April 20, 2026).

Labcorp Genetics (formerly Invitae), Labcorp
Classification: Likely benign for Cerebral creatine deficiency syndrome. Last evaluated: 2026-01-05. Review status: criteria provided, single submitter. Criteria: Invitae Variant Classification Sherloc (09022015). Collection method: clinical testing. Allele origin: germline. Not counted in ClinVar's aggregate classification.

GeneDx
Classification: Uncertain significance. Last evaluated: 2022-07-26. Review status: criteria provided, single submitter. Criteria: GeneDx Variant Classification Process June 2021. Collection method: clinical testing. Allele origin: germline. Affected: yes. Not counted in ClinVar's aggregate classification.
Comment: In silico analysis supports that this missense variant has a deleterious effect on protein structure/function; Has not been previously published as pathogenic or benign to our knowledge

CeGaT Center for Human Genetics Tuebingen
Classification: Uncertain significance. Last evaluated: 2021-02-01. Review status: criteria provided, single submitter. Criteria: CeGaT Center For Human Genetics Tuebingen Variant Classification Criteria Version 2. Collection method: clinical testing. Allele origin: germline. Affected: yes. Observed: 1 variant allele. Not counted in ClinVar's aggregate classification.

Baylor Genetics
Classification: Uncertain significance for Deficiency of guanidinoacetate methyltransferase. Last evaluated: 2018-04-03. Review status: criteria provided, single submitter. Criteria: ACMG Guidelines, 2015. Collection method: clinical testing. Allele origin: maternal. Affected: yes. Not counted in ClinVar's aggregate classification.
Comment: This variant was determined to be of uncertain significance according to ACMG Guidelines, 2015 [PMID:25741868].

Athena Diagnostics
Classification: Uncertain significance. Last evaluated: 2018-03-05. Review status: criteria provided, single submitter. Criteria: Athena Diagnostics Criteria. Collection method: clinical testing. Allele origin: germline. Not counted in ClinVar's aggregate classification.

Illumina Laboratory Services, Illumina
Classification: Uncertain significance for Deficiency of guanidinoacetate methyltransferase. Last evaluated: 2018-01-13. Review status: criteria provided, single submitter. Criteria: ICSL Variant Classification Criteria 13 December 2019. Collection method: clinical testing. Allele origin: germline. Not counted in ClinVar's aggregate classification.

Ambry Genetics
Classification: Uncertain significance for Inborn genetic diseases. Last evaluated: 2016-08-24. Review status: criteria provided, single submitter. Criteria: Ambry Variant Classification Scheme 2023. Collection method: clinical testing. Allele origin: germline. Not counted in ClinVar's aggregate classification.
Comment: The p.T192M variant (also known as c.575C>T), located in coding exon 6 of the GAMT gene, results from a C to T substitution at nucleotide position 575. The threonine at codon 192 is replaced by methionine, an amino acid with similar properties. This variant was previously reported in the SNPDatabase as rs141066224. Based on data from the NHLBI Exome Sequencing Project (ESP), the T allele has an overall frequency of approximately 0.03% (4/13002) total alleles studied, having been observed in 0.05% (2/4406) African American alleles and 0.02% (2/8596) European American alleles. This amino acid position is highly conserved in available vertebrate species. In addition, this alteration is predicted to be deleterious by in silico analysis. Since supporting evidence is limited at this time, the clinical significance of this alteration remains unclear.

Natera, Inc.
Classification: Uncertain significance for Guanidinoacetate methyltransferase deficiency. Last evaluated: 2020-01-17. Review status: no assertion criteria provided. Collection method: clinical testing. Allele origin: germline. Not counted in ClinVar's aggregate classification.